The following is an entry in ClinVar:

NM_000478.6(ALPL):c.284T>A (p.Val95Glu)

Gene: ALPL (alkaline phosphatase, biomineralization associated; plus strand). Cytogenetic location: 1p36.12.
Variant type: single nucleotide variant.
Coding change: c.284T>A on transcript NM_000478.6 (MANE Select); coding-DNA position 284, T replaced by A.
Protein change: p.Val95Glu; replaces valine 95 with glutamic acid.
Molecular consequence: missense variant. On other transcripts: intron variant (1).
Genome position (GRCh38, 1-based): chr1:21,561,199, T>A. VCF-style: chr1-21561199-T-A. GRCh37 (hg19) VCF-style: chr1-21887692-T-A.
Other names: c.119T>A, p.Val40Glu (NM_001127501.4); c.284T>A, p.Val95Glu (NM_001369803.2, NM_001369804.2, NM_001369805.2); c.66+454T>A (NM_001177520.3); short protein forms V95E, V40E.
Identifiers: ClinVar variation 1476440 (VCV001476440.8), dbSNP rs2148152665, ClinGen allele CA338878225.

ClinVar aggregate classification (germline): Likely pathogenic (1 of 4 stars; one submission).

Submission:

Labcorp Genetics (formerly Invitae), Labcorp
Classification: Likely pathogenic. Last evaluated: 2022-03-11. Review status: criteria provided, single submitter. Criteria: Invitae Variant Classification Sherloc (09022015). Collection method: clinical testing. Allele origin: germline.
Comment: This variant disrupts the p.Val95 amino acid residue in ALPL. Other variant(s) that disrupt this residue have been determined to be pathogenic (PMID: 30719581, 31641588). This suggests that this residue is clinically significant, and that variants that disrupt this residue are likely to be disease-causing. In summary, the currently available evidence indicates that the variant is pathogenic, but additional data are needed to prove that conclusively. Therefore, this variant has been classified as Likely Pathogenic. Advanced modeling of protein sequence and biophysical properties (such as structural, functional, and spatial information, amino acid conservation, physicochemical variation, residue mobility, and thermodynamic stability) performed at Invitae indicates that this missense variant is expected to disrupt ALPL protein function. This variant has not been reported in the literature in individuals affected with ALPL-related conditions. This variant is not present in population databases (gnomAD no frequency). This sequence change replaces valine, which is neutral and non-polar, with glutamic acid, which is acidic and polar, at codon 95 of the ALPL protein (p.Val95Glu).

Literature cited by the submitters: PubMed 30719581; PubMed 31641588.